The following is an entry in ClinVar:

NM_023110.3(FGFR1):c.1409G>A (p.Arg470His)

Gene: FGFR1 (fibroblast growth factor receptor 1; minus strand). Cytogenetic location: 8p11.23.
Variant type: single nucleotide variant.
Coding change: c.1409G>A on transcript NM_023110.3 (MANE Select); coding-DNA position 1409, G replaced by A.
Protein change: p.Arg470His; replaces arginine 470 with histidine.
Molecular consequence: missense variant.
Genome position (GRCh38, 1-based): chr8:38,418,249, C>T on the plus strand (G>A on the coding strand, the complement: FGFR1 is on the minus strand). VCF-style: chr8-38418249-C-T. GRCh37 (hg19) VCF-style: chr8-38275767-C-T.
Other names: c.1403G>A, p.Arg468His (NM_001174063.2, NM_001174065.2, NM_001354367.2 and 1 more transcripts); c.1379G>A, p.Arg460His (NM_001174064.2); c.1142G>A, p.Arg381His (NM_001174066.2, NM_023105.3); c.1502G>A, p.Arg501His (NM_001174067.2); c.1130G>A, p.Arg377His (NM_001354368.2); c.1397G>A, p.Arg466His (NM_001354369.2); c.1136G>A, p.Arg379His (NM_001354370.2, NM_023106.3); c.1409G>A (NM_023110.2); short protein forms R379H, R468H, R377H, R381H, R460H, R466H, R501H, R470H.
Identifiers: ClinVar variation 1445817 (VCV001445817.9), dbSNP rs121909637, ClinGen allele CA4718394.

ClinVar aggregate classification (germline): Uncertain significance. Review status: criteria provided, multiple submitters, no conflicts (2 of 4 stars). 3 submissions from 3 submitters: Uncertain significance (3). Last evaluated 2024-11-06.

Conditions:
Hypogonadotropic hypogonadism 2 with or without anosmia (HH2). Also called: FGFR1-Related GnRH Deficiency (Kallmann Syndrome 2); HYPOGONADOTROPIC HYPOGONADISM 2 WITHOUT ANOSMIA; HYPOGONADOTROPIC HYPOGONADISM 2 WITH OR WITHOUT ANOSMIA, SUSCEPTIBILITY TO; HYPOGONADOTROPIC HYPOGONADISM 2 WITHOUT ANOSMIA, SUSCEPTIBILITY TO. Identifiers: Orphanet 478, MedGen C1563720, MONDO:0007844, OMIM 147950. Disease mechanism: loss of function.
Pfeiffer syndrome (ACS5). Also called: ACS V. Identifiers: Orphanet 710, MedGen C0220658, MONDO:0007043, OMIM 101600.
Hartsfield-Bixler-Demyer syndrome (HRTFDS). Also called: FGFR1-Related Hartsfield Syndrome; Holoprosencephaly, ectrodactyly, and bilateral cleft lip/palate; Hartsfield syndrome. Identifiers: Orphanet 2117, MedGen C1845146, MONDO:0014196, OMIM 615465. Disease mechanism: loss of function.
Trigonocephaly 1 (TRIGNO1). Identifiers: Orphanet 3366, MedGen C0432122, MONDO:0008603, OMIM 190440.
Jackson-Weiss syndrome (JWS). Also called: CRANIOSYNOSTOSIS, MIDFACIAL HYPOPLASIA, AND FOOT ABNORMALITIES. Identifiers: Orphanet 1540, MedGen C0795998, MONDO:0007400, OMIM 123150. Disease mechanism: loss of function.
Encephalocraniocutaneous lipomatosis (ECCL). Identifiers: Orphanet 2396, MedGen C0406612, MONDO:0013074, OMIM 613001.
Osteoglophonic dysplasia (OGD). Also called: Osteoglophonic dwarfism. Identifiers: Orphanet 2645, MedGen C0432283, MONDO:0008150, OMIM 166250.

gnomAD v4.1: 23 of 1,614,068 alleles (0.0014%); highest among the groups gnomAD compares: South Asian, 0.0044%; no homozygotes.

Submissions (3):

Labcorp Genetics (formerly Invitae), Labcorp
Classification: Uncertain significance for Pfeiffer syndrome; Hypogonadotropic hypogonadism 2 with or without anosmia. Last evaluated: 2024-11-06. Review status: criteria provided, single submitter. Criteria: Invitae Variant Classification Sherloc (09022015). Collection method: clinical testing. Allele origin: germline.
Comment: This sequence change replaces arginine, which is basic and polar, with histidine, which is basic and polar, at codon 470 of the FGFR1 protein (p.Arg470His). This variant is present in population databases (rs121909637, gnomAD 0.01%). This variant has not been reported in the literature in individuals affected with FGFR1-related conditions. ClinVar contains an entry for this variant (Variation ID: 1445817). Invitae Evidence Modeling of protein sequence and biophysical properties (such as structural, functional, and spatial information, amino acid conservation, physicochemical variation, residue mobility, and thermodynamic stability) indicates that this missense variant is not expected to disrupt FGFR1 protein function with a negative predictive value of 80%. In summary, the available evidence is currently insufficient to determine the role of this variant in disease. Therefore, it has been classified as a Variant of Uncertain Significance.

Reproductive Endocrine Unit, Massachusetts General Hospital
Classification: Uncertain significance for Hypogonadotropic hypogonadism 2 with or without anosmia. Last evaluated: 2023-05-04. Review status: criteria provided, single submitter. Criteria: ACMG Guidelines, 2015. Collection method: research. Allele origin: unknown. Affected: yes. Observed: 1 variant allele.

Department of Pathology and Laboratory Medicine, Sinai Health System
Classification: Uncertain significance for Pfeiffer syndrome; Jackson-Weiss syndrome; Hypogonadotropic hypogonadism 2 with or without anosmia; Osteoglophonic dysplasia; Trigonocephaly 1; Encephalocraniocutaneous lipomatosis; Hartsfield-Bixler-Demyer syndrome. Last evaluated: 2022-01-03. Review status: criteria provided, single submitter. Criteria: ACMG Guidelines, 2015. Collection method: research. Allele origin: germline.